The following is an entry in ClinVar:

ClinVar aggregate classification (germline): Likely pathogenic (1 of 4 stars; one submission).

Conditions:
Cardiofaciocutaneous syndrome 3 (CFC3). Also called: MAP2K1-Related Cardiofaciocutaneous Syndrome. Identifiers: Orphanet 1340, MedGen C3809006, MONDO:0014113, OMIM 615279.

gnomAD v4.1: 1 of 1,614,122 alleles (0.000062%); highest among the groups gnomAD compares: Non-Finnish European, 0.000085%; no homozygotes.

Submission:

Laboratory of Medical Genetics, National & Kapodistrian University of Athens
Classification: Likely pathogenic for Cardiofaciocutaneous syndrome 3. Last evaluated: 2021-08-10. Review status: criteria provided, single submitter. Criteria: ACMG Guidelines, 2015. Collection method: clinical testing. Allele origin: unknown. Affected: yes.
Comment: PM1, PM2, PP2, PP3

NM_002755.4(MAP2K1):c.265C>A (p.Pro89Thr)

Gene: MAP2K1 (mitogen-activated protein kinase kinase 1; plus strand). Cytogenetic location: 15q22.31.
Variant type: single nucleotide variant.
Coding change: c.265C>A on transcript NM_002755.4 (MANE Select); coding-DNA position 265, C replaced by A.
Protein change: p.Pro89Thr; replaces proline 89 with threonine.
Molecular consequence: missense variant.
Genome position (GRCh38, 1-based): chr15:66,435,211, C>A. VCF-style: chr15-66435211-C-A. GRCh37 (hg19) VCF-style: chr15-66727549-C-A.
Other names: short protein forms P89T.
Identifiers: ClinVar variation 1299563 (VCV001299563.1), dbSNP rs1265809314, ClinGen allele CA392929555.